The following is an entry in ClinVar:

NM_004415.4(DSP):c.5484G>C (p.Arg1828Ser)

Gene: DSP (desmoplakin; plus strand). Cytogenetic location: 6p24.3.
Variant type: single nucleotide variant.
Coding change: c.5484G>C on transcript NM_004415.4 (MANE Select); coding-DNA position 5484, G replaced by C.
Protein change: p.Arg1828Ser; replaces arginine 1828 with serine.
Molecular consequence: missense variant.
Genome position (GRCh38, 1-based): chr6:7,582,746, G>C. VCF-style: chr6-7582746-G-C. GRCh37 (hg19) VCF-style: chr6-7582979-G-C.
Other names: c.3687G>C, p.Arg1229Ser (NM_001008844.3); c.4155G>C, p.Arg1385Ser (NM_001319034.2); short protein forms R1229S, R1385S, R1828S.
Identifiers: ClinVar variation 3757242 (VCV003757242.2).

ClinVar aggregate classification (germline): Uncertain significance (1 of 4 stars; one submission).

Conditions:
Arrhythmogenic right ventricular dysplasia 8 (ARVD8). Also called: Arrhythmogenic Right Ventricular Dysplasia/Cardiomyopathy 8; ARRHYTHMOGENIC RIGHT VENTRICULAR DYSPLASIA, FAMILIAL, 8; ARRHYTHMOGENIC RIGHT VENTRICULAR CARDIOMYOPATHY 8. Identifiers: MedGen C1843896, MONDO:0011831, OMIM 607450.
Arrhythmogenic cardiomyopathy with wooly hair and keratoderma. Also called: PALMOPLANTAR KERATODERMA WITH LEFT VENTRICULAR CARDIOMYOPATHY AND WOOLLY HAIR; Carvajal syndrome; Dilated cardiomyopathy with woolly hair and keratoderma; Arrhythmogenic cardiomyopathy with woolly hair and keratoderma. Identifiers: Orphanet 65282, MedGen C1854063, MONDO:0011581, OMIM 605676.

Submission:

Labcorp Genetics (formerly Invitae), Labcorp
Classification: Uncertain significance for Arrhythmogenic cardiomyopathy with wooly hair and keratoderma; Arrhythmogenic right ventricular dysplasia 8. Last evaluated: 2024-07-16. Review status: criteria provided, single submitter. Criteria: Invitae Variant Classification Sherloc (09022015). Collection method: clinical testing. Allele origin: germline.
Comment: This sequence change replaces arginine, which is basic and polar, with serine, which is neutral and polar, at codon 1828 of the DSP protein (p.Arg1828Ser). This variant is not present in population databases (gnomAD no frequency). This variant has not been reported in the literature in individuals affected with DSP-related conditions. An algorithm developed to predict the effect of missense changes on protein structure and function (PolyPhen-2) suggests that this variant is likely to be disruptive. In summary, the available evidence is currently insufficient to determine the role of this variant in disease. Therefore, it has been classified as a Variant of Uncertain Significance.